The following is an entry in ClinVar:

ClinVar aggregate classification (germline): Benign. Review status: criteria provided, single submitter (1 of 4 stars). 2 submissions from 2 submitters: Benign (1). 1 of the submissions does not count toward it. Last evaluated 2026-01-26.

Conditions:
NXN-related disorder. Also called: NXN-related condition.

Allele frequency attached by ClinVar (database versions not stated): gnomAD exomes 0.00059 and 0.00134; ExAC 0.00154; gnomAD 0.00394 and 0.00418; TOPMed 0.00505; ESP Exome Variant Server 0.00554; 1000 Genomes Project 30x 0.00656; 1000 Genomes Project 0.00659.
gnomAD v4.1: 1,512 of 1,614,034 alleles (0.094%); highest among the groups gnomAD compares: African/African-American, 1.4%; 11 homozygotes.

Submissions (2):

Labcorp Genetics (formerly Invitae), Labcorp
Classification: Benign. Last evaluated: 2026-01-26. Review status: criteria provided, single submitter. Criteria: Invitae Variant Classification Sherloc (09022015). Collection method: clinical testing. Allele origin: germline.

PreventionGenetics, part of Exact Sciences
Classification: Benign for NXN-related condition. Last evaluated: 2019-03-12. Review status: no assertion criteria provided. Collection method: clinical testing. Allele origin: germline. Not counted in ClinVar's aggregate classification.
Comment: This variant is classified as benign based on ACMG/AMP sequence variant interpretation guidelines (Richards et al. 2015 PMID: 25741868, with internal and published modifications).

NM_022463.5(NXN):c.1125+8C>T

Gene: NXN (nucleoredoxin; minus strand). Cytogenetic location: 17p13.3.
Variant type: single nucleotide variant.
Coding change: c.1125+8C>T on transcript NM_022463.5 (MANE Select); 8 bases into the intron after coding-DNA position 1125, C replaced by T.
Molecular consequence: intron variant.
Genome position (GRCh38, 1-based): chr17:803,674, G>A on the plus strand (C>T on the coding strand, the complement: NXN is on the minus strand). VCF-style: chr17-803674-G-A. GRCh37 (hg19) VCF-style: chr17-706914-G-A.
Other names: c.801+8C>T (NM_001205319.1).
Identifiers: ClinVar variation 787988 (VCV000787988.12), dbSNP rs115282889, ClinGen allele CA8263943.